The following is an entry in ClinVar:

NM_000780.4(CYP7A1):c.965C>T (p.Ala322Val)

Gene: CYP7A1 (cytochrome P450 family 7 subfamily A member 1; minus strand). Cytogenetic location: 8q12.1.
Variant type: single nucleotide variant.
Coding change: c.965C>T on transcript NM_000780.4 (MANE Select); coding-DNA position 965, C replaced by T.
Protein change: p.Ala322Val; replaces alanine 322 with valine.
Molecular consequence: missense variant.
Genome position (GRCh38, 1-based): chr8:58,494,580, G>A on the plus strand (C>T on the coding strand, the complement: CYP7A1 is on the minus strand). VCF-style: chr8-58494580-G-A. GRCh37 (hg19) VCF-style: chr8-59407139-G-A.
Other names: short protein forms A322V.
Identifiers: ClinVar variation 4979257 (VCV004979257.1).
Genomic context (GRCh38, chr8:58,494,580, plus strand): 5'-TCATTCAGTTCTGCTTGACTCAAACAAATAGGATTGCCTTCCAAGCTGACTTTTTGACCA[G>A]CATTCTCTAATGTTCTTTTCACTTCTTCAGTAGCTGCTTTCATTGCTTCTGGGTTCCTAT-3'
Protein context (NP_000771.2, residues 312-332): TEEVKRTLEN[Ala322Val]GQKVSLEGNP

ClinVar aggregate classification (germline): Uncertain significance (1 of 4 stars; one submission).

Conditions:
CYP7A1-related disorder. Also called: CYP7A1-related condition.

Submission:

PreventionGenetics, part of Exact Sciences
Classification: Uncertain significance for CYP7A1-related condition. Last evaluated: 2026-08-13. Review status: criteria provided, single submitter. Criteria: ACMG Guidelines, 2015. Collection method: clinical testing. Allele origin: germline.
Comment: The CYP7A1 c.965C>T variant is predicted to result in the amino acid substitution p.Ala322Val. To our knowledge, this variant has not been reported in the literature. This variant is reported in 0.0035% of alleles in individuals of European (Non-Finnish) descent in gnomAD. At this time, the clinical significance of this variant is uncertain due to the absence of conclusive functional and genetic evidence.